The following is an entry in ClinVar:

ClinVar aggregate classification (germline): Uncertain significance (1 of 4 stars; one submission).

Allele frequency attached by ClinVar (database versions not stated): ExAC 0.00001; gnomAD exomes 0.00001 and 0.00003; TOPMed 0.00001; gnomAD 0.00003.
gnomAD v4.1: 37 of 1,209,829 alleles (0.0031%); highest among the groups gnomAD compares: Non-Finnish European, 0.0038%; no homozygotes.

Submission:

Labcorp Genetics (formerly Invitae), Labcorp
Classification: Uncertain significance. Last evaluated: 2021-10-07. Review status: criteria provided, single submitter. Criteria: Invitae Variant Classification Sherloc (09022015). Collection method: clinical testing. Allele origin: germline.
Comment: This sequence change replaces glycine with serine at codon 606 of the DDX3X protein (p.Gly606Ser). The glycine residue is highly conserved and there is a small physicochemical difference between glycine and serine. This variant is present in population databases (rs755359362, ExAC 0.002%). This variant has not been reported in the literature in individuals affected with DDX3X-related conditions. Algorithms developed to predict the effect of missense changes on protein structure and function are either unavailable or do not agree on the potential impact of this missense change (SIFT: "Deleterious"; PolyPhen-2: "Not Available"; Align-GVGD: "Class C0"). In summary, the available evidence is currently insufficient to determine the role of this variant in disease. Therefore, it has been classified as a Variant of Uncertain Significance.

NM_001356.5(DDX3X):c.1819G>A (p.Gly607Ser)

Gene: DDX3X (DEAD-box helicase 3 X-linked; plus strand). Cytogenetic location: Xp11.4.
Variant type: single nucleotide variant.
Coding change: c.1819G>A on transcript NM_001356.5 (MANE Select); coding-DNA position 1819, G replaced by A.
Protein change: p.Gly607Ser; replaces glycine 607 with serine.
Molecular consequence: missense variant. On other transcripts: non-coding transcript variant (1).
Genome position (GRCh38, 1-based): chrX:41,347,361, G>A. VCF-style: chrX-41347361-G-A. GRCh37 (hg19) VCF-style: chrX-41206614-G-A.
Other names: c.1816G>A, p.Gly606Ser (NM_001193416.3); c.1771G>A, p.Gly591Ser (NM_001193417.3); c.1258G>A, p.Gly420Ser (NM_001363819.1); short protein forms G606S, G420S, G607S, G591S.
Identifiers: ClinVar variation 1495758 (VCV001495758.6), dbSNP rs755359362, ClinGen allele CA10389716.
Genomic context (GRCh38, chrX:41,347,361, plus strand): 5'-TTTTCTTATAGTAGCAGATTTAGTGGAGGGTTTGGTGCCAGAGACTACCGACAAAGTAGC[G>A]GTGCCAGCAGTTCCAGCTTCAGCAGCAGCCGCGCAAGCAGCAGCCGCAGTGGCGGAGGTG-3'
Protein context (NP_001347.3, residues 597-617): FGARDYRQSS[Gly607Ser]ASSSSFSSSR